The following is an entry in ClinVar:

NM_006231.4(POLE):c.5149A>C (p.Asn1717His)

Gene: POLE (DNA polymerase epsilon, catalytic subunit; minus strand). Cytogenetic location: 12q24.33.
Variant type: single nucleotide variant.
Coding change: c.5149A>C on transcript NM_006231.4 (MANE Select); coding-DNA position 5149, A replaced by C.
Protein change: p.Asn1717His; replaces asparagine 1717 with histidine.
Molecular consequence: missense variant.
Genome position (GRCh38, 1-based): chr12:132,642,201, T>G on the plus strand (A>C on the coding strand, the complement: POLE is on the minus strand). VCF-style: chr12-132642201-T-G. GRCh37 (hg19) VCF-style: chr12-133218787-T-G.
Other names: c.5149A>C (NM_006231.2); short protein forms N1717H.
Identifiers: ClinVar variation 860172 (VCV000860172.12), dbSNP rs1593729300, ClinGen allele CA387376701.

ClinVar aggregate classification (germline): Uncertain significance. Review status: criteria provided, multiple submitters, no conflicts (2 of 4 stars). 3 submissions from 3 submitters: Uncertain significance (3). Last evaluated 2026-02-11.

Conditions:
Hereditary cancer-predisposing syndrome. Also called: Tumor predisposition; Hereditary neoplastic syndrome; Neoplastic Syndromes, Hereditary; Hereditary Cancer Syndrome. Identifiers: Orphanet 140162, MedGen C0027672, MeSH D009386, MONDO:0015356.
Colorectal cancer, susceptibility to, 12 (CRCS12). Also called: COLORECTAL CANCER, SUSCEPTIBILITY TO, ON CHROMOSOME 12q24. Identifiers: Orphanet 220460, MedGen C3554460, MONDO:0014038, OMIM 615083.

Submissions (3):

St. Jude Molecular Pathology, St. Jude Children's Research Hospital
Classification: Uncertain significance for Colorectal cancer, susceptibility to, 12. Last evaluated: 2026-02-11. Review status: criteria provided, single submitter. Criteria: St. Jude Assertion Criteria 2020. Collection method: clinical testing. Allele origin: germline.
Comment: The POLE c.5149A>C p.(Asn1717His) missense change is absent in gnomAD v2.1.1. The in silico tool REVEL is inconclusive about a pathogenic or benign effect of this variant on protein function, and to our knowledge functional studies have not been performed. To our knowledge, this variant has not been reported in the literature in individuals with POLE-related disease. In summary, the evidence currently available is insufficient to determine the clinical significance of this variant. It has therefore been classified as of uncertain significance.

Labcorp Genetics (formerly Invitae), Labcorp
Classification: Uncertain significance. Last evaluated: 2026-01-20. Review status: criteria provided, single submitter. Criteria: Invitae Variant Classification Sherloc (09022015). Collection method: clinical testing. Allele origin: germline.
Comment: This sequence change replaces asparagine, which is neutral and polar, with histidine, which is basic and polar, at codon 1717 of the POLE protein (p.Asn1717His). This variant is not present in population databases (gnomAD no frequency). This variant has not been reported in the literature in individuals affected with POLE-related conditions. ClinVar contains an entry for this variant (Variation ID: 860172). Invitae Evidence Modeling of protein sequence and biophysical properties (such as structural, functional, and spatial information, amino acid conservation, physicochemical variation, residue mobility, and thermodynamic stability) has been performed for this missense variant. However, the output from this modeling did not meet the statistical confidence thresholds required to predict the impact of this variant on POLE protein function. In summary, the available evidence is currently insufficient to determine the role of this variant in disease. Therefore, it has been classified as a Variant of Uncertain Significance.

Ambry Genetics
Classification: Uncertain significance for Hereditary cancer-predisposing syndrome. Last evaluated: 2025-06-01. Review status: criteria provided, single submitter. Criteria: Ambry Variant Classification Scheme 2023. Collection method: clinical testing. Allele origin: germline.
Comment: The p.N1717H variant (also known as c.5149A>C), located in coding exon 38 of the POLE gene, results from an A to C substitution at nucleotide position 5149. The asparagine at codon 1717 is replaced by histidine, an amino acid with similar properties. This amino acid position is conserved. In addition, this alteration is predicted to be tolerated by in silico analysis. Since supporting evidence is limited at this time, the clinical significance of this alteration remains unclear.